The following is an entry in ClinVar:

NM_006494.4(ERF):c.787C>T (p.Gln263Ter)

Gene: ERF (ETS2 repressor factor; minus strand). Cytogenetic location: 19q13.2.
Variant type: single nucleotide variant.
Coding change: c.787C>T on transcript NM_006494.4 (MANE Select); coding-DNA position 787, C replaced by T.
Protein change: p.Gln263Ter; replaces glutamine 263 with a stop codon.
Molecular consequence: nonsense.
Genome position (GRCh38, 1-based): chr19:42,249,325, G>A on the plus strand (C>T on the coding strand, the complement: ERF is on the minus strand). VCF-style: chr19-42249325-G-A. GRCh37 (hg19) VCF-style: chr19-42753477-G-A.
Other names: c.562C>T, p.Gln188Ter (NM_001301035.2, NM_001308402.2, NM_001312656.2); short protein forms Q263*, Q188*.
Identifiers: ClinVar variation 2292937 (VCV002292937.4), dbSNP rs2036398565, ClinGen allele CA406110465.

ClinVar aggregate classification (germline): Pathogenic. Review status: criteria provided, multiple submitters, no conflicts (2 of 4 stars). 2 submissions from 2 submitters: Pathogenic (2). Last evaluated 2026-09-10.

Conditions:
Inborn genetic diseases. Identifiers: MedGen C0950123, MeSH D030342.

Allele frequency attached by ClinVar (database versions not stated): gnomAD 0.00001.

Submissions (2):

GeneDx
Classification: Pathogenic. Last evaluated: 2026-09-10. Review status: criteria provided, single submitter. Criteria: GeneDx Variant Classification Process June 2021. Collection method: clinical testing. Allele origin: germline.
Comment: Nonsense variant predicted to result in protein truncation, as the last 286 amino acids are lost, and other loss-of-function variants have been reported downstream in HGMD; Not observed at significant frequency in large population cohorts (gnomAD); This variant is associated with the following publications: (PMID: 37532503, 39309470, 42609909)

Ambry Genetics
Classification: Pathogenic for Inborn genetic diseases. Last evaluated: 2022-06-28. Review status: criteria provided, single submitter. Criteria: Ambry Variant Classification Scheme 2023. Collection method: clinical testing. Allele origin: germline.
Comment: The c.787C>T (p.Q263*) alteration, located in exon 4 (coding exon 4) of the ERF gene, consists of a C to T substitution at nucleotide position 787. This changes the amino acid from a glutamine (Q) to a stop codon at amino acid position 263. This alteration occurs at the 3' terminus of the ERF gene and is not expected to trigger nonsense-mediated mRNA decay. However, premature stop codons are typically deleterious in nature and this truncation impacts a significant portion of the protein (52%), including the loss of two domains in the ERF protein. In addition, other truncating alterations downstream of this alteration have been reported as disease-causing (Twigg, 2013; Glass, 2019; K&ouml;rberg, 2020; Ambry internal data). This variant was not reported in population-based cohorts in the Genome Aggregation Database (gnomAD). Based on the available evidence, this alteration is classified as pathogenic.

Literature cited by the submitters: PubMed 23354439 (cited by Ambry Genetics); PubMed 30758909 (cited by Ambry Genetics); PubMed 32370745 (cited by Ambry Genetics).